The following is an entry in ClinVar:

ClinVar aggregate classification (germline): Benign. Review status: criteria provided, multiple submitters, no conflicts (2 of 4 stars). 3 submissions from 3 submitters: Benign (2). 1 of the submissions does not count toward it. Last evaluated 2018-03-02.

Conditions:
LRIG1-related disorder. Also called: LRIG1-related condition.

Allele frequency attached by ClinVar (database versions not stated): gnomAD exomes 0.00106; ExAC 0.00126; 1000 Genomes Project 0.00359; 1000 Genomes Project 30x 0.00375; gnomAD 0.00399 and 0.00438; TOPMed 0.00427; ESP Exome Variant Server 0.00577.
gnomAD v4.1: 1,228 of 1,614,048 alleles (0.076%); highest among the groups gnomAD compares: African/African-American, 1.4%; 10 homozygotes.

Submissions (3):

Labcorp Genetics (formerly Invitae), Labcorp
Classification: Benign. Last evaluated: 2018-03-02. Review status: criteria provided, single submitter. Criteria: Invitae Variant Classification Sherloc (09022015). Collection method: clinical testing. Allele origin: germline.

Breakthrough Genomics
Classification: Benign. Review status: criteria provided, single submitter. Criteria: ACMG Guidelines, 2015. Collection method: not provided. Allele origin: germline. Inheritance: Unknown mechanism. Affected: yes.

PreventionGenetics, part of Exact Sciences
Classification: Benign for LRIG1-related condition. Last evaluated: 2019-02-26. Review status: no assertion criteria provided. Collection method: clinical testing. Allele origin: germline. Not counted in ClinVar's aggregate classification.
Comment: This variant is classified as benign based on ACMG/AMP sequence variant interpretation guidelines (Richards et al. 2015 PMID: 25741868, with internal and published modifications).

NM_015541.3(LRIG1):c.848C>T (p.Thr283Met)

Gene: LRIG1 (leucine rich repeats and immunoglobulin like domains 1; minus strand). Cytogenetic location: 3p14.1.
Variant type: single nucleotide variant.
Coding change: c.848C>T on transcript NM_015541.3 (MANE Select); coding-DNA position 848, C replaced by T.
Protein change: p.Thr283Met; replaces threonine 283 with methionine.
Molecular consequence: missense variant.
Genome position (GRCh38, 1-based): chr3:66,410,216, G>A on the plus strand (C>T on the coding strand, the complement: LRIG1 is on the minus strand). VCF-style: chr3-66410216-G-A. GRCh37 (hg19) VCF-style: chr3-66460640-G-A.
Other names: c.773C>T, p.Thr258Met (NM_001377344.1); c.68C>T, p.Thr23Met (NM_001377345.1, NM_001377346.1); short protein forms T283M, T23M, T258M.
Identifiers: ClinVar variation 791128 (VCV000791128.6), dbSNP rs151237960, ClinGen allele CA2485032.